The following is an entry in ClinVar:

GRCh37/hg19 1q43-44(chr1:243063909-244418399)x1

Genes: AKT3 (AKT serine/threonine kinase 3; minus strand), CEP170 (centrosomal protein 170; minus strand), SDCCAG8 (SHH signaling and ciliogenesis regulator SDCCAG8; plus strand), ZBTB18 (zinc finger and BTB domain containing 18; plus strand). Cytogenetic location: 1q43-44.
Variant type: copy number loss.
Change: copy number 1 (one copy instead of two) of chr1:243,063,909-244,418,399 (1.35 Mb, GRCh37 coordinates, 1-based), cytogenetic band 1q43-44.
Identifiers: ClinVar variation 4682499 (VCV004682499.1).

ClinVar aggregate classification (germline): Pathogenic (1 of 4 stars; one submission).

Submission:

Quest Diagnostics Nichols Institute San Juan Capistrano
Classification: Pathogenic. Last evaluated: 2024-10-17. Review status: criteria provided, single submitter. Criteria: ACMG/ClinGen CNV Guidelines, 2019. Collection method: clinical testing. Allele origin: unknown.
Comment: This deletion involves at least four protein-coding genes and partially overlaps the 1q43q44 terminal region (ISCA-37493). Haploinsufficiency of ZBTB18 is associated with chromosome 1q43-q44 deletion syndrome (CCID:008126; OMIM 612337). Heterozygous loss-of-function variants of AKT3 have been reported in individuals with microcephaly (CCID:006645; Depienne 2017). However, literature notes that partial or pure deletions of AKT3 may be subject to incomplete penetrance and/or differential expressivity (Lopes 2019, van Bon 2008). There are no similar copy number losses of this region in the general populations of the Database of Genomic Variants. Thus, based on gene content and current medical literature, this copy number variant (CNV) is classified as pathogenic. References: Depienne et al., Hum Genet. 2017 Apr;136(4):463-479. PMID: 28283832 Lopes et al., Front Genet. 2019 Feb 22;10:58. PMID: 30853971 van Bon et al., J Med Genet. 2008 Jun;45(6):346-54. PMID: 18178631